The following is an entry in ClinVar:

NM_182914.3(SYNE2):c.2647-4_2647-3dup

Gene: SYNE2 (spectrin repeat containing nuclear envelope protein 2; plus strand). Cytogenetic location: 14q23.2.
Variant type: Duplication.
Coding change: c.2647-4_2647-3dup on transcript NM_182914.3 (MANE Select); 4 bases into the intron before coding-DNA position 2647 through 3 bases into the intron before coding-DNA position 2647, 2 bases duplicated (TT; older notation c.2647-4_2647-3dupTT).
Molecular consequence: intron variant.
Genome position (GRCh38, 1-based): chr14:63,993,831-63,993,832, TT duplicated; duplicating any 2 consecutive bases within chr14:63,993,819-63,993,832 gives the same sequence; the c. name uses the placement nearest the transcript's 3' end. VCF-style (leftmost placement, unchanged base first): chr14-63993818-A-ATT. GRCh37 (hg19) VCF-style: chr14-64460536-A-ATT.
Other names: c.2647-4_2647-3dup (NM_015180.6); c.2647-4_2647-3dupTT (NM_182914.2).
Identifiers: ClinVar variation 281246 (VCV000281246.9), dbSNP rs397726340, ClinGen allele CA7219755.

ClinVar aggregate classification (germline): Benign/Likely benign. Review status: criteria provided, multiple submitters, no conflicts (2 of 4 stars). 4 submissions from 4 submitters: Benign (2); Likely benign (1). 1 of the submissions does not count toward it. Last evaluated 2024-11-27.

Conditions:
SYNE2-related disorder. Also called: SYNE2-related condition.
Emery-Dreifuss muscular dystrophy 5, autosomal dominant (EDMD5). Also called: EMERY-DREIFUSS MUSCULAR DYSTROPHY 5. Identifiers: Orphanet 261, MedGen C2751805, MONDO:0013072, OMIM 612999.

Submissions (4):

Blueprint Genetics
Classification: Likely benign. Last evaluated: 2024-11-27. Review status: criteria provided, single submitter. Criteria: ACMG Guidelines, 2015. Collection method: clinical testing. Allele origin: germline.

Fulgent Genetics
Classification: Benign for Emery-Dreifuss muscular dystrophy 5, autosomal dominant. Last evaluated: 2022-01-17. Review status: criteria provided, single submitter. Criteria: ACMG Guidelines, 2015. Collection method: clinical testing. Allele origin: unknown.

Eurofins Ntd Llc (ga)
Classification: Benign. Last evaluated: 2015-09-01. Review status: criteria provided, single submitter. Criteria: EGL Classification Definitions. Collection method: clinical testing. Allele origin: germline. Observed: 2 variant alleles, 1 heterozygote.

PreventionGenetics, part of Exact Sciences
Classification: Benign for SYNE2-related condition. Last evaluated: 2019-05-08. Review status: no assertion criteria provided. Collection method: clinical testing. Allele origin: germline. Not counted in ClinVar's aggregate classification.
Comment: This variant is classified as benign based on ACMG/AMP sequence variant interpretation guidelines (Richards et al. 2015 PMID: 25741868, with internal and published modifications).